The following is an entry in ClinVar:

ClinVar aggregate classification (germline): Uncertain significance. Review status: criteria provided, multiple submitters, no conflicts (2 of 4 stars). 2 submissions from 2 submitters: Uncertain significance (2). Last evaluated 2023-08-04.

Conditions:
Cardiovascular phenotype. Identifiers: MedGen CN230736.
Hypertrophic cardiomyopathy. Also called: HYPERTROPHIC MYOCARDIOPATHY. Identifiers: Orphanet 217569, MedGen C0007194, MeSH D002312, MONDO:0005045, HP:0001639.

Allele frequency attached by ClinVar (database versions not stated): TOPMed below 0.00001.

Submissions (2):

Labcorp Genetics (formerly Invitae), Labcorp
Classification: Uncertain significance for Hypertrophic cardiomyopathy. Last evaluated: 2023-08-04. Review status: criteria provided, single submitter. Criteria: Invitae Variant Classification Sherloc (09022015). Collection method: clinical testing. Allele origin: germline.
Comment: In summary, the available evidence is currently insufficient to determine the role of this variant in disease. Therefore, it has been classified as a Variant of Uncertain Significance. An algorithm developed to predict the effect of missense changes on protein structure and function (PolyPhen-2) suggests that this variant is likely to be disruptive. ClinVar contains an entry for this variant (Variation ID: 582354). This variant has not been reported in the literature in individuals affected with JPH2-related conditions. This variant is not present in population databases (gnomAD no frequency). This sequence change replaces lysine, which is basic and polar, with asparagine, which is neutral and polar, at codon 361 of the JPH2 protein (p.Lys361Asn).

Ambry Genetics
Classification: Uncertain significance for Cardiovascular phenotype. Last evaluated: 2022-02-10. Review status: criteria provided, single submitter. Criteria: Ambry Variant Classification Scheme 2023. Collection method: clinical testing. Allele origin: germline.

NM_020433.5(JPH2):c.1083G>T (p.Lys361Asn)

Gene: JPH2 (junctophilin 2; minus strand). Cytogenetic location: 20q13.12.
Variant type: single nucleotide variant.
Coding change: c.1083G>T on transcript NM_020433.5 (MANE Select); coding-DNA position 1083, G replaced by T.
Protein change: p.Lys361Asn; replaces lysine 361 with asparagine.
Molecular consequence: missense variant.
Genome position (GRCh38, 1-based): chr20:44,159,704, C>A on the plus strand (G>T on the coding strand, the complement: JPH2 is on the minus strand). VCF-style: chr20-44159704-C-A. GRCh37 (hg19) VCF-style: chr20-42788344-C-A.
Other names: short protein forms K361N.
Identifiers: ClinVar variation 582354 (VCV000582354.9), dbSNP rs971528622, ClinGen allele CA314629087.